The following is an entry in ClinVar:

NM_198586.3(NHLRC1):c.185G>C (p.Arg62Pro)

Gene: NHLRC1 (NHL repeat containing E3 ubiquitin protein ligase 1; minus strand). Cytogenetic location: 6p22.3.
Variant type: single nucleotide variant.
Coding change: c.185G>C on transcript NM_198586.3 (MANE Select); coding-DNA position 185, G replaced by C.
Protein change: p.Arg62Pro; replaces arginine 62 with proline.
Molecular consequence: missense variant.
Genome position (GRCh38, 1-based): chr6:18,122,422, C>G on the plus strand (G>C on the coding strand, the complement: NHLRC1 is on the minus strand). VCF-style: chr6-18122422-C-G. GRCh37 (hg19) VCF-style: chr6-18122653-C-G.
Other names: c.185G>C (NM_198586.2); short protein forms R62P.
Identifiers: ClinVar variation 2156312 (VCV002156312.5), dbSNP rs796052754, ClinGen allele CA134960094.

ClinVar aggregate classification (germline): Uncertain significance. Review status: criteria provided, multiple submitters, no conflicts (2 of 4 stars). 2 submissions from 2 submitters: Uncertain significance (2). Last evaluated 2025-10-17.

Conditions:
Inborn genetic diseases. Identifiers: MedGen C0950123, MeSH D030342.
Lafora disease. Also called: Epilepsy progressive myoclonic 2; Progressive Myoclonus Epilepsy, Lafora Type. Identifiers: Orphanet 501, MedGen C0751783, MONDO:0009697.

Allele frequency attached by ClinVar (database versions not stated): gnomAD exomes below 0.00001.

Submissions (2):

Ambry Genetics
Classification: Uncertain significance for Inborn genetic diseases. Last evaluated: 2025-10-17. Review status: criteria provided, single submitter. Criteria: Ambry Variant Classification Scheme 2023. Collection method: clinical testing. Allele origin: germline.

Labcorp Genetics (formerly Invitae), Labcorp
Classification: Uncertain significance for Lafora disease. Last evaluated: 2022-06-30. Review status: criteria provided, single submitter. Criteria: Invitae Variant Classification Sherloc (09022015). Collection method: clinical testing. Allele origin: germline.
Comment: In summary, the available evidence is currently insufficient to determine the role of this variant in disease. Therefore, it has been classified as a Variant of Uncertain Significance. Algorithms developed to predict the effect of missense changes on protein structure and function are either unavailable or do not agree on the potential impact of this missense change (SIFT: "Tolerated"; PolyPhen-2: "Probably Damaging"; Align-GVGD: "Class C0"). This variant has not been reported in the literature in individuals affected with NHLRC1-related conditions. This variant is present in population databases (no rsID available, gnomAD no frequency). This sequence change replaces arginine, which is basic and polar, with proline, which is neutral and non-polar, at codon 62 of the NHLRC1 protein (p.Arg62Pro).